The following is an entry in ClinVar:

ClinVar aggregate classification (germline): Uncertain significance (1 of 4 stars; one submission).

Submission:

Labcorp Genetics (formerly Invitae), Labcorp
Classification: Uncertain significance. Last evaluated: 2021-07-26. Review status: criteria provided, single submitter. Criteria: Invitae Variant Classification Sherloc (09022015). Collection method: clinical testing. Allele origin: germline.
Comment: In summary, the available evidence is currently insufficient to determine the role of this variant in disease. Therefore, it has been classified as a Variant of Uncertain Significance. Algorithms developed to predict the effect of missense changes on protein structure and function are either unavailable or do not agree on the potential impact of this missense change (SIFT: "Deleterious"; PolyPhen-2: "Benign"; Align-GVGD: "Class C55"). This variant has not been reported in the literature in individuals affected with KIF11-related conditions. This variant is not present in population databases (ExAC no frequency). This sequence change replaces glutamic acid with lysine at codon 478 of the KIF11 protein (p.Glu478Lys). The glutamic acid residue is highly conserved and there is a small physicochemical difference between glutamic acid and lysine.

NM_004523.4(KIF11):c.1432G>A (p.Glu478Lys)

Gene: KIF11 (kinesin family member 11; plus strand). Cytogenetic location: 10q23.33.
Variant type: single nucleotide variant.
Coding change: c.1432G>A on transcript NM_004523.4 (MANE Select); coding-DNA position 1432, G replaced by A.
Protein change: p.Glu478Lys; replaces glutamic acid 478 with lysine.
Molecular consequence: missense variant.
Genome position (GRCh38, 1-based): chr10:92,630,302, G>A. VCF-style: chr10-92630302-G-A. GRCh37 (hg19) VCF-style: chr10-94390059-G-A.
Other names: short protein forms E478K.
Identifiers: ClinVar variation 1369231 (VCV001369231.8), dbSNP rs2135914641, ClinGen allele CA377591870.